The following is an entry in ClinVar:

NM_000057.4(BLM):c.1639A>G (p.Thr547Ala)

Gene: BLM (BLM RecQ like helicase; plus strand). Cytogenetic location: 15q26.1.
Variant type: single nucleotide variant.
Coding change: c.1639A>G on transcript NM_000057.4 (MANE Select); coding-DNA position 1639, A replaced by G.
Protein change: p.Thr547Ala; replaces threonine 547 with alanine.
Molecular consequence: missense variant.
Genome position (GRCh38, 1-based): chr15:90,761,012, A>G. VCF-style: chr15-90761012-A-G. GRCh37 (hg19) VCF-style: chr15-91304242-A-G.
Other names: c.1639A>G, p.Thr547Ala (NM_001287246.2, NM_001287247.2); c.514A>G, p.Thr172Ala (NM_001287248.2); short protein forms T172A, T547A.
Identifiers: ClinVar variation 2566853 (VCV002566853.4), dbSNP rs1426499355, ClinGen allele CA393843504.
Genomic context (GRCh38, chr15:90,761,012, plus strand): 5'-AGCACTGCTGTGAAAGATCAGAATAAACATACTGCTTCAATAAATGACTTAGAAAGAGAA[A>G]CCCAACCTTCCTATGATATTGATAATTTTGACATAGATGACTTTGATGATGATGATGACT-3'
Protein context (NP_000048.1, residues 537-557): TASINDLERE[Thr547Ala]QPSYDIDNFD

ClinVar aggregate classification (germline): Uncertain significance. Review status: criteria provided, multiple submitters, no conflicts (2 of 4 stars). 2 submissions from 2 submitters: Uncertain significance (2). Last evaluated 2024-08-27.

Conditions:
Hereditary cancer-predisposing syndrome. Also called: Hereditary neoplastic syndrome; Hereditary Cancer Syndrome; Neoplastic Syndromes, Hereditary; Tumor predisposition. Identifiers: Orphanet 140162, MedGen C0027672, MeSH D009386, MONDO:0015356.
Bloom syndrome (BLM). Also called: Bloom-Torre-Machacek syndrome. Identifiers: Orphanet 125, MedGen C0005859, MONDO:0008876, OMIM 210900.

Allele frequency attached by ClinVar (database versions not stated): gnomAD exomes below 0.00001.
gnomAD v4.1: 1 of 1,606,850 alleles (0.000062%); highest among the groups gnomAD compares: Non-Finnish European, 0.000085%; no homozygotes.

Submissions (2):

Labcorp Genetics (formerly Invitae), Labcorp
Classification: Uncertain significance for Bloom syndrome. Last evaluated: 2024-08-27. Review status: criteria provided, single submitter. Criteria: Invitae Variant Classification Sherloc (09022015). Collection method: clinical testing. Allele origin: germline.
Comment: This sequence change replaces threonine, which is neutral and polar, with alanine, which is neutral and non-polar, at codon 547 of the BLM protein (p.Thr547Ala). This variant is present in population databases (no rsID available, gnomAD 0.0009%). This variant has not been reported in the literature in individuals affected with BLM-related conditions. ClinVar contains an entry for this variant (Variation ID: 2566853). Invitae Evidence Modeling of protein sequence and biophysical properties (such as structural, functional, and spatial information, amino acid conservation, physicochemical variation, residue mobility, and thermodynamic stability) indicates that this missense variant is not expected to disrupt BLM protein function with a negative predictive value of 80%. In summary, the available evidence is currently insufficient to determine the role of this variant in disease. Therefore, it has been classified as a Variant of Uncertain Significance.

Ambry Genetics
Classification: Uncertain significance for Hereditary cancer-predisposing syndrome. Last evaluated: 2023-06-12. Review status: criteria provided, single submitter. Criteria: Ambry Variant Classification Scheme 2023. Collection method: clinical testing. Allele origin: germline.
Comment: The p.T547A variant (also known as c.1639A>G), located in coding exon 6 of the BLM gene, results from an A to G substitution at nucleotide position 1639. The threonine at codon 547 is replaced by alanine, an amino acid with similar properties. This amino acid position is conserved. In addition, this alteration is predicted to be tolerated by in silico analysis. Since supporting evidence is limited at this time, the clinical significance of this alteration remains unclear.